The following is an entry in ClinVar:

ClinVar aggregate classification (germline): Conflicting classifications of pathogenicity. Review status: criteria provided, conflicting classifications (1 of 4 stars). 3 submissions from 3 submitters: Uncertain significance (1); Likely benign (2). Last evaluated 2025-03-16.

Conditions:
Fanconi anemia (FA). Also called: Fanconi's anemia. Identifiers: Orphanet 84, MedGen C0015625, MeSH D005199, MONDO:0019391.

Allele frequency attached by ClinVar (database versions not stated): ExAC 0.00001; gnomAD 0.00005; 1000 Genomes Project 30x 0.00016; 1000 Genomes Project 0.00020; TOPMed 0.00028.
gnomAD v4.1: 18 of 1,597,098 alleles (0.0011%); highest among the groups gnomAD compares: Admixed American, 0.024%; no homozygotes.

Submissions (3):

Labcorp Genetics (formerly Invitae), Labcorp
Classification: Likely benign for Fanconi anemia. Last evaluated: 2025-03-16. Review status: criteria provided, single submitter. Criteria: Invitae Variant Classification Sherloc (09022015). Collection method: clinical testing. Allele origin: germline.

GeneDx
Classification: Uncertain significance. Last evaluated: 2021-07-29. Review status: criteria provided, single submitter. Criteria: GeneDx Variant Classification Process June 2021. Collection method: clinical testing. Allele origin: germline. Affected: yes.
Comment: In-silico analysis is inconclusive as to whether the variant alters gene splicing. In the absence of RNA/functional studies, the actual effect of this sequence change is unknown.; Has not been previously published as pathogenic or benign to our knowledge; Not observed at significant frequency in large population cohorts (Lek et al., 2016)

Blueprint Genetics
Classification: Likely benign. Last evaluated: 2021-03-24. Review status: criteria provided, single submitter. Criteria: ACMG Guidelines, 2015. Collection method: clinical testing. Allele origin: germline.

NM_020937.4(FANCM):c.4387-13C>T

Gene: FANCM (FA complementation group M; plus strand). Cytogenetic location: 14q21.2.
Variant type: single nucleotide variant.
Coding change: c.4387-13C>T on transcript NM_020937.4 (MANE Select); 13 bases into the intron before coding-DNA position 4387, C replaced by T.
Molecular consequence: intron variant.
Genome position (GRCh38, 1-based): chr14:45,183,761, C>T. VCF-style: chr14-45183761-C-T. GRCh37 (hg19) VCF-style: chr14-45652964-C-T.
Other names: c.4309-13C>T (NM_001308133.2).
Identifiers: ClinVar variation 1254889 (VCV001254889.11), dbSNP rs548622939, ClinGen allele CA7169734.
Genomic context (GRCh38, chr14:45,183,761, plus strand): 5'-TGTAAGAGCAATTTTACTTGTCTAGGAAGAAAATATTTTTTTCTTATGCAAGAATTTTGT[C>T]GAATTATTATAGTCAGAATTATCATCTAGTGATGAGAGTGAGAATTTTCCCAAACCATGT-3'